The following is an entry in ClinVar:

NM_001198950.3(MYO16):c.4782G>A (p.Thr1594=)

Gene: MYO16 (myosin XVI; plus strand). Cytogenetic location: 13q33.3.
Variant type: single nucleotide variant.
Coding change: c.4782G>A on transcript NM_001198950.3 (MANE Select); coding-DNA position 4782, G replaced by A.
Protein change: p.Thr1594=; no amino-acid change (threonine 1594 retained).
Molecular consequence: synonymous variant.
Genome position (GRCh38, 1-based): chr13:109,140,994, G>A. VCF-style: chr13-109140994-G-A. GRCh37 (hg19) VCF-style: chr13-109793342-G-A.
Other names: c.4716G>A, p.Thr1572= (NM_015011.3).
Identifiers: ClinVar variation 773553 (VCV000773553.8), dbSNP rs865918578, ClinGen allele CA7045775.

ClinVar aggregate classification (germline): Likely benign. Review status: criteria provided, multiple submitters, no conflicts (2 of 4 stars). 4 submissions from 4 submitters: Likely benign (3). 1 of the submissions does not count toward it. Last evaluated 2024-06-16.

Conditions:
MYO16-related disorder. Also called: MYO16-related condition.

Allele frequency attached by ClinVar (database versions not stated): TOPMed 0.00403; gnomAD 0.00424 and 0.00430; ExAC 0.02202.
gnomAD v4.1: 3,981 of 1,336,940 alleles (0.3%); highest among the groups gnomAD compares: Middle Eastern, 1.4%; 40 homozygotes.

Submissions (4):

Ambry Genetics
Classification: Likely benign. Last evaluated: 2024-06-16. Review status: criteria provided, single submitter. Criteria: Ambry Variant Classification Scheme 2023. Collection method: clinical testing. Allele origin: germline.

Labcorp Genetics (formerly Invitae), Labcorp
Classification: Likely benign. Last evaluated: 2019-12-31. Review status: criteria provided, single submitter. Criteria: Invitae Variant Classification Sherloc (09022015). Collection method: clinical testing. Allele origin: germline.

Breakthrough Genomics
Classification: Likely benign. Review status: criteria provided, single submitter. Criteria: ACMG Guidelines, 2015. Collection method: not provided. Allele origin: germline. Inheritance: Unknown mechanism. Affected: yes.

PreventionGenetics, part of Exact Sciences
Classification: Benign for MYO16-related condition. Last evaluated: 2019-02-28. Review status: no assertion criteria provided. Collection method: clinical testing. Allele origin: germline. Not counted in ClinVar's aggregate classification.
Comment: This variant is classified as benign based on ACMG/AMP sequence variant interpretation guidelines (Richards et al. 2015 PMID: 25741868, with internal and published modifications).